The following is an entry in ClinVar:

NM_000059.4(BRCA2):c.7436-6_7436-4delinsGG

Gene: BRCA2 (BRCA2 DNA repair associated; plus strand). Cytogenetic location: 13q13.1.
Variant type: Indel.
Coding change: c.7436-6_7436-4delinsGG on transcript NM_000059.4 (MANE Select); 6 bases into the intron before coding-DNA position 7436 through 4 bases into the intron before coding-DNA position 7436, TGA replaced by GG.
Molecular consequence: intron variant.
Genome position (GRCh38, 1-based): chr13:32,356,422-32,356,424, TGA replaced by GG. VCF-style: chr13-32356422-TGA-GG. GRCh37 (hg19) VCF-style: chr13-32930559-TGA-GG.
Other names: c.7436-6_7436-4delinsGG (NM_001406720.1); c.7340-6_7340-4delinsGG (NM_001406719.1); c.2504-6_2504-4delinsGG (NM_001406721.1); c.1019-6_1019-4delinsGG (NM_001406722.1).
Identifiers: ClinVar variation 2774944 (VCV002774944.2), dbSNP rs2548541309, ClinGen allele CA2697551775.

ClinVar aggregate classification (germline): Uncertain significance (1 of 4 stars; one submission).

Conditions:
Hereditary cancer-predisposing syndrome. Also called: Neoplastic Syndromes, Hereditary; Tumor predisposition; Hereditary Cancer Syndrome; Hereditary neoplastic syndrome. Identifiers: Orphanet 140162, MedGen C0027672, MeSH D009386, MONDO:0015356.

Submission:

Color Diagnostics, LLC DBA Color Health
Classification: Uncertain significance for Hereditary cancer-predisposing syndrome. Last evaluated: 2023-09-25. Review status: criteria provided, single submitter. Criteria: ACMG Guidelines, 2015. Collection method: clinical testing. Allele origin: germline.
Comment: This variant causes the deletion of 3 nucleotides and insertion of 2 different nucleotides in intron 14 of the BRCA2 gene. To our knowledge, functional studies have not been reported for this variant. This variant has not been reported in individuals affected with BRCA2-related disorders in the literature. This variant has not been identified in the general population by the Genome Aggregation Database (gnomAD). The available evidence is insufficient to determine the role of this variant in disease conclusively. Therefore, this variant is classified as a Variant of Uncertain Significance.